The following is an entry in ClinVar:

NM_003467.3(CXCR4):c.881A>G (p.His294Arg)

Gene: CXCR4 (C-X-C motif chemokine receptor 4; minus strand). Cytogenetic location: 2q22.1.
Variant type: single nucleotide variant.
Coding change: c.881A>G on transcript NM_003467.3 (MANE Select); coding-DNA position 881, A replaced by G.
Protein change: p.His294Arg; replaces histidine 294 with arginine.
Molecular consequence: missense variant.
Genome position (GRCh38, 1-based): chr2:136,115,047, T>C on the plus strand (A>G on the coding strand, the complement: CXCR4 is on the minus strand). VCF-style: chr2-136115047-T-C. GRCh37 (hg19) VCF-style: chr2-136872617-T-C.
Other names: c.893A>G, p.His298Arg (NM_001008540.2); c.1094A>G, p.His365Arg (NM_001348056.2); c.980A>G, p.His327Arg (NM_001348059.2); c.836A>G, p.His279Arg (NM_001348060.2); short protein forms H279R, H294R, H298R, H327R, H365R.
Identifiers: ClinVar variation 4728915 (VCV004728915.1).

ClinVar aggregate classification (germline): Uncertain significance (1 of 4 stars; one submission).

Conditions:
Warts, hypogammaglobulinemia, infections, and myelokathexis. Also called: WHIM syndrome. Identifiers: MedGen C0472817, MONDO:0023880.

Submission:

Labcorp Genetics (formerly Invitae), Labcorp
Classification: Uncertain significance for Warts, hypogammaglobulinemia, infections, and myelokathexis. Last evaluated: 2025-10-10. Review status: criteria provided, single submitter. Criteria: Invitae Variant Classification Sherloc (09022015). Collection method: clinical testing. Allele origin: germline.
Comment: This sequence change replaces histidine, which is basic and polar, with arginine, which is basic and polar, at codon 294 of the CXCR4 protein (p.His294Arg). This variant is not present in population databases (gnomAD no frequency). This variant has not been reported in the literature in individuals affected with CXCR4-related conditions. An algorithm developed to predict the effect of missense changes on protein structure and function (PolyPhen-2) suggests that this variant is likely to be disruptive. In summary, the available evidence is currently insufficient to determine the role of this variant in disease. Therefore, it has been classified as a Variant of Uncertain Significance.